The following is an entry in ClinVar:

ClinVar aggregate classification (germline): Uncertain significance (1 of 4 stars; one submission).

Conditions:
Developmental and epileptic encephalopathy, 53. Also called: Epileptic encephalopathy, early infantile, 53. Identifiers: MedGen C4479313, MONDO:0033362, OMIM 617389.
Early-onset Parkinson disease 20. Also called: PARKINSON DISEASE 20, AUTOSOMAL RECESSIVE EARLY-ONSET. Identifiers: Orphanet 391411, MedGen C3809824, MONDO:0014233, OMIM 615530.

Submission:

Labcorp Genetics (formerly Invitae), Labcorp
Classification: Uncertain significance for Developmental and epileptic encephalopathy, 53; Early-onset Parkinson disease 20. Last evaluated: 2019-11-27. Review status: criteria provided, single submitter. Criteria: Invitae Variant Classification Sherloc (09022015). Collection method: clinical testing. Allele origin: germline.
Comment: This variant is not present in population databases (ExAC no frequency). This sequence change replaces valine with alanine at codon 158 of the SYNJ1 protein (p.Val158Ala). The valine residue is highly conserved and there is a small physicochemical difference between valine and alanine. This variant has not been reported in the literature in individuals with SYNJ1-related conditions. In summary, the available evidence is currently insufficient to determine the role of this variant in disease. Therefore, it has been classified as a Variant of Uncertain Significance. Algorithms developed to predict the effect of missense changes on protein structure and function (SIFT, PolyPhen-2, Align-GVGD) all suggest that this variant is likely to be disruptive, but these predictions have not been confirmed by published functional studies and their clinical significance is uncertain.

NM_203446.3(SYNJ1):c.356T>C (p.Val119Ala)

Gene: SYNJ1 (synaptojanin 1; minus strand). Cytogenetic location: 21q22.11.
Variant type: single nucleotide variant.
Coding change: c.356T>C on transcript NM_203446.3 (MANE Select); coding-DNA position 356, T replaced by C.
Protein change: p.Val119Ala; replaces valine 119 with alanine.
Molecular consequence: missense variant.
Genome position (GRCh38, 1-based): chr21:32,699,961, A>G on the plus strand (T>C on the coding strand, the complement: SYNJ1 is on the minus strand). VCF-style: chr21-32699961-A-G. GRCh37 (hg19) VCF-style: chr21-34072271-A-G.
Other names: c.356T>C, p.Val119Ala (NM_001160302.2, NM_001160306.2); c.473T>C, p.Val158Ala (NM_003895.4); short protein forms V119A, V158A.
Identifiers: ClinVar variation 859361 (VCV000859361.10), dbSNP rs2042341669, ClinGen allele CA410101560.